The following is an entry in ClinVar:

NM_181882.3(PRX):c.1087C>T (p.Pro363Ser)

Gene: PRX (periaxin; minus strand). Cytogenetic location: 19q13.2.
Variant type: single nucleotide variant.
Coding change: c.1087C>T on transcript NM_181882.3 (MANE Select); coding-DNA position 1087, C replaced by T.
Protein change: p.Pro363Ser; replaces proline 363 with serine.
Molecular consequence: missense variant. On other transcripts: 3 prime UTR variant (1).
Genome position (GRCh38, 1-based): chr19:40,397,265, G>A on the plus strand (C>T on the coding strand, the complement: PRX is on the minus strand). VCF-style: chr19-40397265-G-A. GRCh37 (hg19) VCF-style: chr19-40903172-G-A.
Other names: c.*1292C>T (NM_020956.2); short protein forms P363S.
Identifiers: ClinVar variation 1314443 (VCV001314443.2), dbSNP rs886054439, ClinGen allele CA308421209.
Genomic context (GRCh38, chr19:40,397,265, plus strand): 5'-CAGGGCTGACCTTGGCTACCTTGGCCTCAGCAACTTCCTTTGCTCGAGCCCCAAATCGGG[G>A]AAAACTAAGGCGGGGCATCTTCAGGGCCACCTCAGGTGCCTCTCCCCGGGCCTCCACCTC-3'
Protein context (NP_870998.2, residues 353-373): VALKMPRLSF[Pro363Ser]RFGARAKEVA

ClinVar aggregate classification (germline): Uncertain significance (1 of 4 stars; one submission).

Allele frequency attached by ClinVar (database versions not stated): gnomAD exomes below 0.00001.
gnomAD v4.1: 4 of 1,613,600 alleles (0.00025%); highest among the groups gnomAD compares: African/African-American, 0.0013%; no homozygotes.

Submission:

GeneDx
Classification: Uncertain significance. Last evaluated: 2021-04-01. Review status: criteria provided, single submitter. Criteria: GeneDx Variant Classification Process June 2021. Collection method: clinical testing. Allele origin: germline. Affected: yes.
Comment: Not observed at a significant frequency in large population cohorts (Lek et al., 2016); In silico analysis supports that this missense variant has a deleterious effect on protein structure/function; Has not been previously published as pathogenic or benign to our knowledge